The following is an entry in ClinVar:

ClinVar aggregate classification (germline): Conflicting classifications of pathogenicity. Review status: criteria provided, conflicting classifications (1 of 4 stars). 8 submissions from 8 submitters: Uncertain significance (5); Likely benign (1). 2 of the submissions do not count toward it. Last evaluated 2026-09-15.

Conditions:
Cardiovascular phenotype. Identifiers: MedGen CN230736.
SCN10A-related disorder. Also called: SCN10A-related condition.
Episodic pain syndrome, familial, 2 (FEPS2). Identifiers: Orphanet 306577, MedGen C3809893, MONDO:0014246, OMIM 615551.
Brugada syndrome. Also called: Sudden unexpected nocturnal death syndrome; Sudden unexplained nocturnal death syndrome; Sudden Unexplained Death Syndrome; Sudden Unexplained Nocturnal Death Syndrome (SUNDS). Identifiers: Orphanet 130, MedGen C1142166, MONDO:0015263.

Allele frequency attached by ClinVar (database versions not stated): ExAC 0.00002; gnomAD 0.00003 and 0.00004; gnomAD exomes 0.00004 and 0.00013; TOPMed 0.00004; ESP Exome Variant Server 0.00008.
gnomAD v4.1: 195 of 1,613,992 alleles (0.012%); highest among the groups gnomAD compares: Non-Finnish European, 0.016%; no homozygotes.

Submissions (8):

PreventionGenetics, part of Exact Sciences
Classification: Uncertain significance for SCN10A-related condition. Last evaluated: 2026-09-15. Review status: criteria provided, single submitter. Criteria: ACMG Guidelines, 2015. Collection method: clinical testing. Allele origin: germline.
Comment: The SCN10A c.5539C>T variant is predicted to result in premature protein termination (p.Arg1847*). This variant has been reported as a variant of uncertain significance in an individual with small fiber neuropathy (Eijkenboom et al. 2018. PubMed ID: 30554136). This variant resides in the final exon of this gene, and it is unclear if the resulting mRNA would undergo nonsense-mediated decay. Loss of function is not an established mechanism of SCN10A-related disease. This variant is reported in 0.0080% of alleles in individuals of African descent in gnomAD. At this time, the clinical significance of this variant is uncertain due to the absence of conclusive functional and genetic evidence.

Labcorp Genetics (formerly Invitae), Labcorp
Classification: Uncertain significance for Brugada syndrome. Last evaluated: 2025-12-19. Review status: criteria provided, single submitter. Criteria: Invitae Variant Classification Sherloc (09022015). Collection method: clinical testing. Allele origin: germline.
Comment: This sequence change creates a premature translational stop signal (p.Arg1847*) in the SCN10A gene. While this is not anticipated to result in nonsense mediated decay, it is expected to disrupt the last 110 amino acid(s) of the SCN10A protein. This variant is present in population databases (rs199503439, gnomAD 0.008%). This premature translational stop signal has been observed in individual(s) with SCN10A-related conditions (PMID: 30554136). ClinVar contains an entry for this variant (Variation ID: 452050). Experimental studies and prediction algorithms are not available or were not evaluated, and the functional significance of this variant is currently unknown. In summary, the available evidence is currently insufficient to determine the role of this variant in disease. Therefore, it has been classified as a Variant of Uncertain Significance.

Ambry Genetics
Classification: Uncertain significance for Cardiovascular phenotype. Last evaluated: 2024-08-20. Review status: criteria provided, single submitter. Criteria: Ambry Variant Classification Scheme 2023. Collection method: clinical testing. Allele origin: germline.
Comment: The p.R1847* variant (also known as c.5539C>T), located in coding exon 27 of the SCN10A gene, results from a C to T substitution at nucleotide position 5539. This changes the amino acid from an arginine to a stop codon within coding exon 27. This alteration is expected to result in protein truncation or nonsense-mediated mRNA decay. However, loss of function of SCN10A has not been established as a mechanism of disease. The evidence for this gene-disease relationship is limited; therefore, the clinical significance of this alteration is unclear.

Blueprint Genetics
Classification: Likely benign. Last evaluated: 2024-06-14. Review status: criteria provided, single submitter. Criteria: ACMG Guidelines, 2015. Collection method: clinical testing. Allele origin: germline.

GeneDx
Classification: Uncertain significance. Last evaluated: 2024-02-14. Review status: criteria provided, single submitter. Criteria: GeneDx Variant Classification Process June 2021. Collection method: clinical testing. Allele origin: germline. Affected: yes.
Comment: Has been reported in an individual with pure small fiber neuropathy (PMID: 30554136); Nonsense variant predicted to result in protein truncation as the last 110 amino acids are lost, although loss-of-function variants have not been reported downstream of this position in the protein; This variant is associated with the following publications: (PMID: 30554136)

Fulgent Genetics
Classification: Uncertain significance for Episodic pain syndrome, familial, 2. Last evaluated: 2021-07-30. Review status: criteria provided, single submitter. Criteria: ACMG Guidelines, 2015. Collection method: clinical testing. Allele origin: unknown.

Clinical Genetics, Academic Medical Center
Classification: Uncertain significance. Review status: no assertion criteria provided. Collection method: clinical testing. Allele origin: germline. Affected: yes. Study: VKGL Data-share Consensus. Not counted in ClinVar's aggregate classification.

Joint Genome Diagnostic Labs from Nijmegen and Maastricht, Radboudumc and MUMC+
Classification: Uncertain significance. Review status: no assertion criteria provided. Collection method: clinical testing. Allele origin: germline. Affected: yes. Study: VKGL Data-share Consensus. Not counted in ClinVar's aggregate classification.

Literature cited by the submitters: PubMed 30554136 (cited by Labcorp Genetics (formerly Invitae), Labcorp and Ambry Genetics).

NM_006514.4(SCN10A):c.5539C>T (p.Arg1847Ter)

Gene: SCN10A (sodium voltage-gated channel alpha subunit 10; minus strand). Cytogenetic location: 3p22.2.
Variant type: single nucleotide variant.
Coding change: c.5539C>T on transcript NM_006514.4 (MANE Select); coding-DNA position 5539, C replaced by T.
Protein change: p.Arg1847Ter; replaces arginine 1847 with a stop codon.
Molecular consequence: nonsense.
Genome position (GRCh38, 1-based): chr3:38,697,681, G>A on the plus strand (C>T on the coding strand, the complement: SCN10A is on the minus strand). VCF-style: chr3-38697681-G-A. GRCh37 (hg19) VCF-style: chr3-38739172-G-A.
Other names: c.5536C>T, p.Arg1846Ter (NM_001293306.2); c.5245C>T, p.Arg1749Ter (NM_001293307.2); short protein forms R1847*, R1749*, R1846*.
Identifiers: ClinVar variation 452050 (VCV000452050.21), dbSNP rs199503439, ClinGen allele CA2319658.